The following is an entry in ClinVar:

NM_001717.4(BNC1):c.564AGA[1] (p.Glu190del)

Gene: BNC1 (basonuclin zinc finger protein 1; minus strand). Cytogenetic location: 15q25.2.
Variant type: Microsatellite.
Coding change: c.564AGA[1] on transcript NM_001717.4 (MANE Select); one copy of the 3-base unit AGA starting at c.564; the reference has two copies in a row; one copy, 3 bases deleted; also written c.567_569del.
Protein change: p.Glu190del; deletes glutamic acid 190.
Genome position (GRCh38, 1-based): chr15:83,264,682-83,264,684, TCT deleted on the plus strand (AGA on the coding strand, the reverse complement: BNC1 is on the minus strand); deleting any 3 consecutive bases within chr15:83,264,682-83,264,688 gives the same sequence; the position shown is the placement nearest the transcript's 3' end. VCF-style (leftmost placement, unchanged base first): chr15-83264681-CTCT-C. GRCh37 (hg19) VCF-style: chr15-83933433-CTCT-C.
Other names: c.567_569del (NM_001717.4); c.543AGA[1], p.Glu183del (NM_001301206.2); short protein forms E183del, E190del.
Identifiers: ClinVar variation 3392493 (VCV003392493.2).
Genomic context (GRCh38, chr15:83,264,681, plus strand): 5'-GCTCTCGATGAAAGCCCTGATATCTACATTTGCTGTGGAAGGTGGTATGATGATGGATTG[CTCT>C]TCTTTCTCTTGAATTGCCATGAGTTCAACTATAGATTTGGTCTCTCCAAAACGAAGGAAC-3'

ClinVar aggregate classification (germline): Uncertain significance (1 of 4 stars; one submission).

Conditions:
Premature ovarian failure 16. Identifiers: MedGen C5231474, MONDO:0032881, OMIM 618723.

Submission:

Juno Genomics, Hangzhou Juno Genomics, Inc
Classification: Uncertain significance for Premature ovarian failure 16. Review status: criteria provided, single submitter. Criteria: ACMG Guidelines, 2015. Collection method: clinical testing. Allele origin: germline. Affected: yes.
Comment: Absent from controls (or at extremely low frequency if recessive) in Genome Aggregation Database, Exome Sequencing Project, 1000 Genomes Project, or Exome Aggregation Consortium.;Protein length changes due to in-frame deletions/insertions in a non-repeat region or stop-loss variants.;Patient's phenotype or family history is highly specific for a disease with a single genetic etiology.